The following is an entry in ClinVar:

ClinVar aggregate classification (germline): not provided (0 of 4 stars; one submission).

Conditions:
Normal pregnancy. Identifiers: MedGen C0232989.

Submission:

Institute of Molecular and Cell Biology, University of Tartu
No classification provided. Condition: Normal pregnancy. Review status: no classification provided. Collection method: case-control. Allele origin: unknown. Affected: yes. Study: Kasak2014.
Comment: The study aimed to determine the contribution of copy number variants in the genetic etiology of normal and complicated pregnancies. The samples represented (i) maternal blood DNA drawn from healthy pregnant women during 1st or 2nd trimester and (ii) maternal and paternal blood DNA drawn at term pregnancy cases representing normal and complicated gestations (severe preeclampsia, PE; gestational diabetes, GD; small-for-gestational age newborn, SGA; large-for-gestational age newborn, LGA). We performed CNV calling based on genome-wide genotyping dataset (Illumina HumanOmniExpress-24-v1 BeadChip) by applying three algorithms, QuantiSNP, GADA (Genome Alteration Detection Algorithm) and CNstream in parallel. The acquired CNV calls were merged with HD-CNV (Hotspot Detector for Copy Number Variants) program and only the CNVs predicted by at least two programs, were considered in subsequent analysis.

Literature cited by the submitters: PubMed 25666259.

NC_000011.10:g.37746927_37870122dup

Variant type: Duplication.
Identifiers: ClinVar variation 157202 (VCV000157202.3).